The following is an entry in ClinVar:

NM_000455.5(STK11):c.720G>T (p.Ser240=)

Gene: STK11 (serine/threonine kinase 11; plus strand). Cytogenetic location: 19p13.3.
Variant type: single nucleotide variant.
Coding change: c.720G>T on transcript NM_000455.5 (MANE Select); coding-DNA position 720, G replaced by T.
Protein change: p.Ser240=; no amino-acid change (serine 240 retained).
Molecular consequence: synonymous variant.
Genome position (GRCh38, 1-based): chr19:1,220,703, G>T. VCF-style: chr19-1220703-G-T. GRCh37 (hg19) VCF-style: chr19-1220702-G-T.
Identifiers: ClinVar variation 745587 (VCV000745587.10), dbSNP rs759743897, ClinGen allele CA048535.

ClinVar aggregate classification (germline): Benign/Likely benign. Review status: criteria provided, multiple submitters, no conflicts (2 of 4 stars). 3 submissions from 3 submitters: Benign (1); Likely benign (2). Last evaluated 2026-02-22.

Conditions:
Hereditary cancer-predisposing syndrome. Also called: Tumor predisposition; Neoplastic Syndromes, Hereditary; Hereditary Cancer Syndrome; Hereditary neoplastic syndrome. Identifiers: Orphanet 140162, MedGen C0027672, MeSH D009386, MONDO:0015356.
Peutz-Jeghers syndrome (PJS). Also called: POLYPOSIS, HAMARTOMATOUS INTESTINAL; POLYPS-AND-SPOTS SYNDROME; Peutz-Jeghers polyposis; Periorificial lentiginosis syndrome. Identifiers: Orphanet 2869, MedGen C0031269, MeSH D010580, MONDO:0008280, OMIM 175200.

gnomAD v4.1: 1 of 1,609,358 alleles (0.000062%); highest among the groups gnomAD compares: Non-Finnish European, 0.000085%; no homozygotes.

Submissions (3):

Ambry Genetics
Classification: Likely benign for Hereditary cancer-predisposing syndrome. Last evaluated: 2026-02-22. Review status: criteria provided, single submitter. Criteria: Ambry Variant Classification Scheme 2023. Collection method: clinical testing. Allele origin: germline.

Myriad Genetics, Inc.
Classification: Benign for Peutz-Jeghers syndrome. Last evaluated: 2025-03-27. Review status: criteria provided, single submitter. Criteria: Myriad Autosomal Dominant, Autosomal Recessive and X-Linked Classification Criteria (2023). Collection method: clinical testing. Allele origin: unknown.
Comment: This variant is considered benign. This variant is a silent/synonymous amino acid change and it is not expected to impact splicing.

Labcorp Genetics (formerly Invitae), Labcorp
Classification: Likely benign for Peutz-Jeghers syndrome. Last evaluated: 2023-12-20. Review status: criteria provided, single submitter. Criteria: Invitae Variant Classification Sherloc (09022015). Collection method: clinical testing. Allele origin: germline.